The following is an entry in ClinVar:

ClinVar aggregate classification (germline): Benign (1 of 4 stars; one submission).

Allele frequency attached by ClinVar (database versions not stated): TOPMed 0.74573; 1000 Genomes Project 0.76478; gnomAD 0.75389 and 0.75840; 1000 Genomes Project 30x 0.76499.

Submission:

GeneDx
Classification: Benign. Last evaluated: 2018-06-14. Review status: criteria provided, single submitter. Criteria: GeneDx Variant Classification (06012015). Collection method: clinical testing. Allele origin: germline. Affected: yes.
Comment: This variant is considered likely benign or benign based on one or more of the following criteria: it is a conservative change, it occurs at a poorly conserved position in the protein, it is predicted to be benign by multiple in silico algorithms, and/or has population frequency not consistent with disease.

NM_000532.4(PCCB):c.-390G>C

Gene: PCCB (propionyl-CoA carboxylase subunit beta; plus strand). Cytogenetic location: 3q22.3.
Variant type: single nucleotide variant.
Coding change: c.-390G>C on transcript NM_000532.4; 390 bases upstream of the start codon, G replaced by C.
Genome position (GRCh38, 1-based): chr3:136,249,986, G>C. VCF-style: chr3-136249986-G-C. GRCh37 (hg19) VCF-style: chr3-135968828-G-C.
Identifiers: ClinVar variation 683365 (VCV000683365.3), dbSNP rs3755636, ClinGen allele CA11379321.
Genomic context (GRCh38, chr3:136,249,986, plus strand): 5'-GGCTCACCTACCTCGGCCTCAGTCTTGCCTCTTGATCAAATCACTCATCTCTCTGTGCTT[G>C]ATTTACCTCATCTGTGAAATCCAGATAGTAAGCTAGTGCATGGTAAGTGCAAAAAGCAAC-3'